The following is an entry in ClinVar:

ClinVar aggregate classification (germline): Benign/Likely benign. Review status: criteria provided, multiple submitters, no conflicts (2 of 4 stars). 3 submissions from 3 submitters: Benign (1); Likely benign (2). Last evaluated 2025-11-26.

Conditions:
CACNA1G-related disorder. Also called: CACNA1G-related condition; CACNA1G-related disorders.

Allele frequency attached by ClinVar (database versions not stated): ExAC 0.00024; gnomAD 0.00044; TOPMed 0.00053; 1000 Genomes Project 30x 0.00062; 1000 Genomes Project 0.00080.
gnomAD v4.1: 168 of 1,595,646 alleles (0.011%); highest among the groups gnomAD compares: African/African-American, 0.13%; 1 homozygote.

Submissions (3):

Labcorp Genetics (formerly Invitae), Labcorp
Classification: Benign. Last evaluated: 2025-11-26. Review status: criteria provided, single submitter. Criteria: Invitae Variant Classification Sherloc (09022015). Collection method: clinical testing. Allele origin: germline.

PreventionGenetics, part of Exact Sciences
Classification: Likely benign for CACNA1G-related condition. Last evaluated: 2025-01-06. Review status: criteria provided, single submitter. Criteria: ACMG Guidelines, 2015. Collection method: clinical testing. Allele origin: germline.
Comment: This variant is classified as likely benign based on ACMG/AMP sequence variant interpretation guidelines (Richards et al. 2015 PMID: 25741868, with internal and published modifications).

Blueprint Genetics
Classification: Likely benign. Last evaluated: 2023-12-13. Review status: criteria provided, single submitter. Criteria: ACMG Guidelines, 2015. Collection method: clinical testing. Allele origin: germline.

NM_018896.5(CACNA1G):c.2210G>A (p.Arg737Gln)

Gene: CACNA1G (calcium voltage-gated channel subunit alpha1 G; plus strand). Cytogenetic location: 17q21.33.
Variant type: single nucleotide variant.
Coding change: c.2210G>A on transcript NM_018896.5 (MANE Select); coding-DNA position 2210, G replaced by A.
Protein change: p.Arg737Gln; replaces arginine 737 with glutamine.
Molecular consequence: missense variant. On other transcripts: non-coding transcript variant (5).
Genome position (GRCh38, 1-based): chr17:50,578,473, G>A. VCF-style: chr17-50578473-G-A. GRCh37 (hg19) VCF-style: chr17-48655834-G-A.
Other names: c.2210G>A, p.Arg737Gln (NM_001256324.2, NM_001256325.2, NM_001256326.2 and 24 more transcripts); c.2210G>A (NM_018896.4); short protein forms R737Q.
Identifiers: ClinVar variation 2788732 (VCV002788732.5), dbSNP rs537429256, ClinGen allele CA8652356.